The following is an entry in ClinVar:

ClinVar aggregate classification (germline): Likely benign. Review status: criteria provided, multiple submitters, no conflicts (2 of 4 stars). 5 submissions from 5 submitters: Likely benign (5). Last evaluated 2025-02-23.

Conditions:
Cardiovascular phenotype. Identifiers: MedGen CN230736.
Hypertrophic cardiomyopathy 11. Also called: ACTC1-Related Familial Hypertrophic Cardiomyopathy. Identifiers: MedGen C2677506, MONDO:0012799, OMIM 612098.
Dilated cardiomyopathy 1R (CMD1R). Identifiers: Orphanet 154, Orphanet 54260, MedGen C3150681, MONDO:0013261, OMIM 613424.
Atrial septal defect 5 (ASD5). Identifiers: Orphanet 1478, MedGen C2748552, MONDO:0013011, OMIM 612794.
Cardiomyopathy (CMYO). Also called: Cardiomyopathies. Identifiers: Orphanet 167848, MedGen C0878544, MONDO:0004994, HP:0001638. Inheritance: Various modes of inheritance.
Hypertrophic cardiomyopathy. Also called: HYPERTROPHIC MYOCARDIOPATHY. Identifiers: Orphanet 217569, MedGen C0007194, MeSH D002312, MONDO:0005045, HP:0001639.

Allele frequency attached by ClinVar (database versions not stated): gnomAD exomes 0.00001.

Submissions (5):

Labcorp Genetics (formerly Invitae), Labcorp
Classification: Likely benign for Dilated cardiomyopathy 1R; Hypertrophic cardiomyopathy 11; Atrial septal defect 5. Last evaluated: 2025-02-23. Review status: criteria provided, single submitter. Criteria: Invitae Variant Classification Sherloc (09022015). Collection method: clinical testing. Allele origin: germline.

All of Us Research Program, National Institutes of Health
Classification: Likely benign for Hypertrophic cardiomyopathy. Last evaluated: 2023-07-10. Review status: criteria provided, single submitter. Criteria: ACMG Guidelines, 2015. Collection method: clinical testing. Allele origin: germline. Inheritance: Autosomal dominant inheritance. Observed: 4 variant alleles, 4 heterozygotes.
Comment: This study involves interpretation of variants in research participants for the purpose of population health screening. Participant phenotype was not available at the time of variant classification. Additional details can be found in publication PMID: 35346344, PMCID: PMC8962531

Ambry Genetics
Classification: Likely benign for Cardiovascular phenotype. Last evaluated: 2022-09-26. Review status: criteria provided, single submitter. Criteria: Ambry Variant Classification Scheme 2023. Collection method: clinical testing. Allele origin: germline.

Color Diagnostics, LLC DBA Color Health
Classification: Likely benign for Cardiomyopathy. Last evaluated: 2019-01-07. Review status: criteria provided, single submitter. Criteria: ACMG Guidelines, 2015. Collection method: clinical testing. Allele origin: germline.

Laboratory for Molecular Medicine, Mass General Brigham Personalized Medicine
Classification: Likely benign. Last evaluated: 2008-03-01. Review status: criteria provided, single submitter. Criteria: LMM Criteria. Collection method: clinical testing. Allele origin: germline. Observed: 2 variant alleles.

NM_005159.5(ACTC1):c.798C>T (p.Pro266=)

Genes: GJD2-DT (GJD2 divergent transcript; plus strand), ACTC1 (actin alpha cardiac muscle 1; minus strand). Cytogenetic location: 15q14.
Variant type: single nucleotide variant.
Coding change: c.798C>T on transcript NM_005159.5 (MANE Select); coding-DNA position 798, C replaced by T.
Protein change: p.Pro266=; no amino-acid change (proline 266 retained).
Molecular consequence: synonymous variant.
Genome position (GRCh38, 1-based): chr15:34,792,100, G>A on the plus strand (C>T on the coding strand, the complement: ACTC1 is on the minus strand). VCF-style: chr15-34792100-G-A. GRCh37 (hg19) VCF-style: chr15-35084301-G-A.
Identifiers: ClinVar variation 45187 (VCV000045187.19), dbSNP rs397517068, ClinGen allele CA019923.
Genomic context (GRCh38, chr15:34,792,100, plus strand): 5'-CTAAGATTTCCAGGGAAAATCGTGCCTCTGCACCAGACCCTACAACTCACCAATGAAGGA[G>A]GGCTGGAAGAGTGTCTCAGGACAGCGGAAGCGCTCATTGCCAATAGTGATGACTTGGCCA-3'
Protein context (NP_005150.1, residues 256-276): RFRCPETLFQ[Pro266=]SFIGMESAGI